The following is an entry in ClinVar:

ClinVar aggregate classification (germline): Likely benign. Review status: criteria provided, multiple submitters, no conflicts (2 of 4 stars). 4 submissions from 4 submitters: Likely benign (4). Last evaluated 2024-12-11.

Allele frequency attached by ClinVar (database versions not stated): gnomAD 0.00007; ESP Exome Variant Server 0.00008; TOPMed 0.00008; ExAC 0.00009; 1000 Genomes Project 30x 0.00016; 1000 Genomes Project 0.00020; gnomAD exomes 0.00021.
gnomAD v4.1: 299 of 1,563,142 alleles (0.019%); highest among the groups gnomAD compares: Non-Finnish European, 0.025%; no homozygotes.

Submissions (4):

Ambry Genetics
Classification: Likely benign. Last evaluated: 2024-12-11. Review status: criteria provided, single submitter. Criteria: Ambry Variant Classification Scheme 2023. Collection method: clinical testing. Allele origin: germline.

Blueprint Genetics
Classification: Likely benign. Last evaluated: 2024-11-01. Review status: criteria provided, single submitter. Criteria: ACMG Guidelines, 2015. Collection method: clinical testing. Allele origin: germline.

Labcorp Genetics (formerly Invitae), Labcorp
Classification: Likely benign. Last evaluated: 2022-08-20. Review status: criteria provided, single submitter. Criteria: Invitae Variant Classification Sherloc (09022015). Collection method: clinical testing. Allele origin: germline.

CeGaT Center for Human Genetics Tuebingen
Classification: Likely benign. Last evaluated: 2022-07-01. Review status: criteria provided, single submitter. Criteria: CeGaT Center For Human Genetics Tuebingen Variant Classification Criteria Version 2. Collection method: clinical testing. Allele origin: germline. Affected: yes. Observed: 1 variant allele.
Comment: EEF2: BP4, BP7

NM_001961.4(EEF2):c.2103C>T (p.Arg701=)

Genes: EEF2 (eukaryotic translation elongation factor 2; minus strand), LOC130063169 (ATAC-STARR-seq lymphoblastoid active region 13746; plus strand). Cytogenetic location: 19p13.3.
Variant type: single nucleotide variant.
Coding change: c.2103C>T on transcript NM_001961.4 (MANE Select); coding-DNA position 2103, C replaced by T.
Protein change: p.Arg701=; no amino-acid change (arginine 701 retained).
Molecular consequence: synonymous variant.
Genome position (GRCh38, 1-based): chr19:3,977,575, G>A on the plus strand (C>T on the coding strand, the complement: EEF2 is on the minus strand). VCF-style: chr19-3977575-G-A. GRCh37 (hg19) VCF-style: chr19-3977573-G-A.
Other names: c.2103C>T (NM_001961.3).
Identifiers: ClinVar variation 2200564 (VCV002200564.30), dbSNP rs199566207, ClinGen allele CA9088660.